The following is an entry in ClinVar:

ClinVar aggregate classification (germline): Uncertain significance (1 of 4 stars; one submission).

Submission:

Labcorp Genetics (formerly Invitae), Labcorp
Classification: Uncertain significance. Last evaluated: 2025-03-05. Review status: criteria provided, single submitter. Criteria: Invitae Variant Classification Sherloc (09022015). Collection method: clinical testing. Allele origin: germline.
Comment: This sequence change replaces aspartic acid, which is acidic and polar, with tyrosine, which is neutral and polar, at codon 206 of the CA4 protein (p.Asp206Tyr). This variant is not present in population databases (gnomAD no frequency). This variant has not been reported in the literature in individuals affected with CA4-related conditions. Invitae Evidence Modeling of protein sequence and biophysical properties (such as structural, functional, and spatial information, amino acid conservation, physicochemical variation, residue mobility, and thermodynamic stability) indicates that this missense variant is expected to disrupt CA4 protein function with a positive predictive value of 80%. In summary, the available evidence is currently insufficient to determine the role of this variant in disease. Therefore, it has been classified as a Variant of Uncertain Significance.

NM_000717.5(CA4):c.616G>T (p.Asp206Tyr)

Gene: CA4 (carbonic anhydrase 4; plus strand). Cytogenetic location: 17q23.1.
Variant type: single nucleotide variant.
Coding change: c.616G>T on transcript NM_000717.5 (MANE Select); coding-DNA position 616, G replaced by T.
Protein change: p.Asp206Tyr; replaces aspartic acid 206 with tyrosine.
Molecular consequence: missense variant. On other transcripts: non-coding transcript variant (1).
Genome position (GRCh38, 1-based): chr17:60,158,318, G>T. VCF-style: chr17-60158318-G-T. GRCh37 (hg19) VCF-style: chr17-58235679-G-T.
Other names: short protein forms D206Y.
Identifiers: ClinVar variation 4742023 (VCV004742023.1).
Genomic context (GRCh38, chr17:60,158,318, plus strand): 5'-ACAGTGTCCTCTGCCCCTATCTCAGAGATGAGCACTACGATGGCAGAGAGCAGCCTGTTG[G>T]ACCTGCTCCCCAAGGAGGAGAAACTGAGGCACTACTTCCGCTACCTGGGCTCACTCACCA-3'
Protein context (NP_000708.1, residues 196-216): STTMAESSLL[Asp206Tyr]LLPKEEKLRH